The following is an entry in ClinVar:

NM_000146.4(FTL):c.-105A>G

Gene: FTL (ferritin light chain; plus strand). Cytogenetic location: 19q13.33.
Variant type: single nucleotide variant.
Coding change: c.-105A>G on transcript NM_000146.4 (MANE Select); 105 bases upstream of the start codon, A replaced by G.
Molecular consequence: 5 prime UTR variant.
Genome position (GRCh38, 1-based): chr19:48,965,403, A>G. VCF-style: chr19-48965403-A-G. GRCh37 (hg19) VCF-style: chr19-49468660-A-G.
Identifiers: ClinVar variation 3375890 (VCV003375890.1).

ClinVar aggregate classification (germline): Uncertain significance (1 of 4 stars; one submission).

Submission:

GeneDx
Classification: Uncertain significance. Last evaluated: 2024-05-07. Review status: criteria provided, single submitter. Criteria: GeneDx Variant Classification Process June 2021. Collection method: clinical testing. Allele origin: germline. Affected: yes.
Comment: Nucleotide is not conserved across species and the substitution has no predicted effect on splicing; Has not been previously published as pathogenic or benign to our knowledge; No data available from control populations to assess the frequency of this variant